The following is an entry in ClinVar:

ClinVar aggregate classification (germline): Uncertain significance (1 of 4 stars; one submission).

gnomAD v4.1: 2 of 1,613,928 alleles (0.00012%); highest among the groups gnomAD compares: Non-Finnish European, 0.00017%; no homozygotes.

Submission:

Labcorp Genetics (formerly Invitae), Labcorp
Classification: Uncertain significance. Last evaluated: 2024-07-23. Review status: criteria provided, single submitter. Criteria: Invitae Variant Classification Sherloc (09022015). Collection method: clinical testing. Allele origin: germline.
Comment: This sequence change replaces serine, which is neutral and polar, with arginine, which is basic and polar, at codon 807 of the DUOX2 protein (p.Ser807Arg). This variant is not present in population databases (gnomAD no frequency). This variant has not been reported in the literature in individuals affected with DUOX2-related conditions. Advanced modeling of protein sequence and biophysical properties (such as structural, functional, and spatial information, amino acid conservation, physicochemical variation, residue mobility, and thermodynamic stability) performed at Invitae indicates that this missense variant is expected to disrupt DUOX2 protein function with a positive predictive value of 80%. In summary, the available evidence is currently insufficient to determine the role of this variant in disease. Therefore, it has been classified as a Variant of Uncertain Significance.

NM_001363711.2(DUOX2):c.2419A>C (p.Ser807Arg)

Gene: DUOX2 (dual oxidase 2; minus strand). Cytogenetic location: 15q21.1.
Variant type: single nucleotide variant.
Coding change: c.2419A>C on transcript NM_001363711.2 (MANE Select); coding-DNA position 2419, A replaced by C.
Protein change: p.Ser807Arg; replaces serine 807 with arginine.
Molecular consequence: missense variant.
Genome position (GRCh38, 1-based): chr15:45,104,281, T>G on the plus strand (A>C on the coding strand, the complement: DUOX2 is on the minus strand). VCF-style: chr15-45104281-T-G. GRCh37 (hg19) VCF-style: chr15-45396479-T-G.
Other names: c.2419A>C, p.Ser807Arg (NM_014080.5); short protein forms S807R.
Identifiers: ClinVar variation 3685743 (VCV003685743.2).
Genomic context (GRCh38, chr15:45,104,281, plus strand): 5'-TGGACTCCACAAACATGTCCTGGGGCTTGAGGCCCAGGGACTCGGCAAACTCGGCCCTGC[T>G]CAGCTCGCAGGTCAGGGCCTCCCGCACCTTCTGGGAGGAGTCCAGGGGCAGGGTCCCTGC-3'
Protein context (NP_001350640.1, residues 797-817): KVREALTCEL[Ser807Arg]RAEFAESLGL